The following is an entry in ClinVar:

NM_014795.4(ZEB2):c.3206C>A (p.Ser1069Ter)

Gene: ZEB2 (zinc finger E-box binding homeobox 2; minus strand). Cytogenetic location: 2q22.3.
Variant type: single nucleotide variant.
Coding change: c.3206C>A on transcript NM_014795.4 (MANE Select); coding-DNA position 3206, C replaced by A.
Protein change: p.Ser1069Ter; replaces serine 1069 with a stop codon.
Molecular consequence: nonsense.
Genome position (GRCh38, 1-based): chr2:144,389,890, G>T on the plus strand (C>A on the coding strand, the complement: ZEB2 is on the minus strand). VCF-style: chr2-144389890-G-T. GRCh37 (hg19) VCF-style: chr2-145147457-G-T.
Other names: c.3134C>A, p.Ser1045Ter (NM_001171653.2); short protein forms S1069*, S1045*.
Identifiers: ClinVar variation 489157 (VCV000489157.5), dbSNP rs1553960778, ClinGen allele CA348700336.

ClinVar aggregate classification (germline): Pathogenic. Review status: criteria provided, multiple submitters, no conflicts (2 of 4 stars). 2 submissions from 2 submitters: Pathogenic (2). Last evaluated 2023-02-17.

Conditions:
Mowat-Wilson syndrome (MOWS). Also called: Classic Mowat-Wilson Syndrome. Identifiers: Orphanet 2152, MedGen C1856113, MONDO:0009341, OMIM 235730.

Submissions (2):

Labcorp Genetics (formerly Invitae), Labcorp
Classification: Pathogenic for Mowat-Wilson syndrome. Last evaluated: 2023-02-17. Review status: criteria provided, single submitter. Criteria: Invitae Variant Classification Sherloc (09022015). Collection method: clinical testing. Allele origin: germline.
Comment: For these reasons, this variant has been classified as Pathogenic. This variant disrupts a region of the ZEB2 protein in which other variant(s) (p.Gln1119Arg) have been determined to be pathogenic (PMID: 16688751). This suggests that this is a clinically significant region of the protein, and that variants that disrupt it are likely to be disease-causing. This sequence change creates a premature translational stop signal (p.Ser1069*) in the ZEB2 gene. While this is not anticipated to result in nonsense mediated decay, it is expected to disrupt the last 146 amino acid(s) of the ZEB2 protein. This variant is not present in population databases (gnomAD no frequency). This variant has not been reported in the literature in individuals affected with ZEB2-related conditions. ClinVar contains an entry for this variant (Variation ID: 489157).

GeneDx
Classification: Pathogenic. Last evaluated: 2017-11-24. Review status: criteria provided, single submitter. Criteria: GeneDx Variant Classification (06012015). Collection method: clinical testing. Allele origin: germline. Affected: yes.
Comment: The S1069X pathogenic variant in the ZEB2 gene has not been reported previously as a pathogenic variant nor as a benign variant, to our knowledge. This variant is predicted to cause loss of normal protein function through protein truncation, as the last 146 amino acids are lost. The S1069X variant is not observed in large population cohorts (Lek et al., 2016).

Literature cited by the submitters: PubMed 16688751 (cited by Labcorp Genetics (formerly Invitae), Labcorp).